The following is an entry in ClinVar:

NM_018834.6(MATR3):c.*769G>A

Gene: MATR3 (matrin 3; plus strand). Cytogenetic location: 5q31.2.
Variant type: single nucleotide variant.
Coding change: c.*769G>A on transcript NM_018834.6 (MANE Select); 769 bases downstream of the stop codon, G replaced by A.
Molecular consequence: 3 prime UTR variant.
Genome position (GRCh38, 1-based): chr5:139,330,164, G>A. VCF-style: chr5-139330164-G-A. GRCh37 (hg19) VCF-style: chr5-138665853-G-A.
Other names: c.*769G>A (NM_001194954.2, NM_001194955.2, NM_001194956.2 and 2 more transcripts).
Identifiers: ClinVar variation 351161 (VCV000351161.5), dbSNP rs561705958, ClinGen allele CA3433573.
Genomic context (GRCh38, chr5:139,330,164, plus strand): 5'-GCTTGTCACTTGAATCCCGTGATTGTCATACATCTCTGGTATAAGCAACATTTGATTTTT[G>A]AAGTGTGTAGACCATCTCTTCATATTTTCAAGATGTAATTTTACATTTCTGCATTTTTAA-3'

ClinVar aggregate classification (germline): Benign (1 of 4 stars; one submission).

Conditions:
Amyotrophic lateral sclerosis type 21. Also called: VOCAL CORD AND PHARYNGEAL DYSFUNCTION WITH DISTAL MYOPATHY; MYOPATHY, DISTAL, 2. Identifiers: Orphanet 600, Orphanet 803, MedGen C3807521, MONDO:0011632, OMIM 606070.

Allele frequency attached by ClinVar (database versions not stated): TOPMed 0.00026; 1000 Genomes Project 30x 0.00031; 1000 Genomes Project 0.00040; ExAC 0.00041; gnomAD exomes 0.00045 and 0.00076; gnomAD 0.00068 and 0.00070.

Submission:

Illumina Laboratory Services, Illumina
Classification: Benign for Amyotrophic lateral sclerosis type 21. Last evaluated: 2018-01-12. Review status: criteria provided, single submitter. Criteria: ICSL Variant Classification Criteria 13 December 2019. Collection method: clinical testing. Allele origin: germline.
Comment: This variant was observed in the ICSL laboratory as part of a predisposition screen in an ostensibly healthy population. It had not been previously curated by ICSL or reported in the Human Gene Mutation Database (HGMD: prior to June 1st, 2018), and was therefore a candidate for classification through an automated scoring system. Utilizing variant allele frequency, disease prevalence and penetrance estimates, and inheritance mode, an automated score was calculated to assess if this variant is too frequent to cause the disease. Based on the score and internal cut-off values, a variant classified as benign is not then subjected to further curation. The score for this variant resulted in a classification of benign for this disease.